The following is an entry in ClinVar:

ClinVar aggregate classification (germline): Benign/Likely benign. Review status: criteria provided, multiple submitters, no conflicts (2 of 4 stars). 4 submissions from 4 submitters: Benign (1); Likely benign (2). 1 of the submissions does not count toward it. Last evaluated 2026-01-26.

Conditions:
ITGB4-related disorder. Also called: ITGB4-related condition.
Junctional epidermolysis bullosa with pyloric atresia. Also called: Epidermolysis bullosa, junctional, with pyloric atresia and aplasia cutis congenita; Epidermolysis bullosa junctionalis with pyloric atresia; APLASIA CUTIS CONGENITA WITH GASTROINTESTINAL ATRESIA; CARMI SYNDROME; EB-PA-ACC; EPIDERMOLYSIS BULLOSA, JUNCTIONAL 5B, WITH PYLORIC ATRESIA. Identifiers: Orphanet 79403, MedGen C5676875, MONDO:0009183, OMIM 226730.

Allele frequency attached by ClinVar (database versions not stated): gnomAD 0.00308 and 0.00332; ESP Exome Variant Server 0.00346; 1000 Genomes Project 30x 0.00359; gnomAD exomes 0.00029; 1000 Genomes Project 0.00319; TOPMed 0.00358.
gnomAD v4.1: 899 of 1,596,418 alleles (0.056%); highest among the groups gnomAD compares: African/African-American, 1.1%; 3 homozygotes.

Submissions (4):

Labcorp Genetics (formerly Invitae), Labcorp
Classification: Likely benign. Last evaluated: 2026-01-26. Review status: criteria provided, single submitter. Criteria: Invitae Variant Classification Sherloc (09022015). Collection method: clinical testing. Allele origin: germline.

Blueprint Genetics
Classification: Likely benign. Last evaluated: 2024-11-13. Review status: criteria provided, single submitter. Criteria: ACMG Guidelines, 2015. Collection method: clinical testing. Allele origin: germline.

Illumina Laboratory Services, Illumina
Classification: Benign for Junctional epidermolysis bullosa with pyloric atresia. Last evaluated: 2018-01-13. Review status: criteria provided, single submitter. Criteria: ICSL Variant Classification Criteria 13 December 2019. Collection method: clinical testing. Allele origin: germline.
Comment: This variant was observed in the ICSL laboratory as part of a predisposition screen in an ostensibly healthy population. It had not been previously curated by ICSL or reported in the Human Gene Mutation Database (HGMD: prior to June 1st, 2018), and was therefore a candidate for classification through an automated scoring system. Utilizing variant allele frequency, disease prevalence and penetrance estimates, and inheritance mode, an automated score was calculated to assess if this variant is too frequent to cause the disease. Based on the score and internal cut-off values, a variant classified as benign is not then subjected to further curation. The score for this variant resulted in a classification of benign for this disease.

PreventionGenetics, part of Exact Sciences
Classification: Benign for ITGB4-related condition. Last evaluated: 2019-11-16. Review status: no assertion criteria provided. Collection method: clinical testing. Allele origin: germline. Not counted in ClinVar's aggregate classification.
Comment: This variant is classified as benign based on ACMG/AMP sequence variant interpretation guidelines (Richards et al. 2015 PMID: 25741868, with internal and published modifications).

NM_000213.5(ITGB4):c.5367C>T (p.Gly1789=)

Genes: GALK1 (galactokinase 1; minus strand), ITGB4 (integrin subunit beta 4; plus strand). Cytogenetic location: 17q25.1.
Variant type: single nucleotide variant.
Coding change: c.5367C>T on transcript NM_000213.5 (MANE Select); coding-DNA position 5367, C replaced by T.
Protein change: p.Gly1789=; no amino-acid change (glycine 1789 retained).
Molecular consequence: synonymous variant. On other transcripts: intron variant (1).
Genome position (GRCh38, 1-based): chr17:75,757,453, C>T. VCF-style: chr17-75757453-C-T. GRCh37 (hg19) VCF-style: chr17-73753534-C-T.
Other names: c.5316C>T, p.Gly1772= (NM_001005619.2); c.5157C>T, p.Gly1719= (NM_001005731.3, NM_001321123.2); c.5007C>T, p.Gly1669= (NM_001438834.1); c.*22+581G>A (NM_001381985.1).
Identifiers: ClinVar variation 734207 (VCV000734207.14), dbSNP rs200199740, ClinGen allele CA8770588.
Genomic context (GRCh38, chr17:75,757,453, plus strand): 5'-ATCTAATGCCTCCTCCTCCACAGATGGGCTGACCCTGGGGGCCCAGCACCTGGAGGCAGG[C>T]GGCTCCCTCACCCGGCATGTGACCCAGGAGTTTGTGAGCCGGACACTGACCACCAGCGGA-3'
Protein context (NP_000204.3, residues 1779-1799): LTLGAQHLEA[Gly1789=]GSLTRHVTQE